The following is an entry in ClinVar:

ClinVar aggregate classification (germline): Benign (0 of 4 stars; one submission).

Conditions:
UBR4-related disorder. Also called: UBR4-related condition.

Allele frequency attached by ClinVar (database versions not stated): gnomAD exomes 0.00041; gnomAD 0.00051; TOPMed 0.00064; ESP Exome Variant Server 0.00077; ExAC 0.00080.
gnomAD v4.1: 751 of 1,614,092 alleles (0.047%); highest among the groups gnomAD compares: Admixed American, 0.018%; 6 homozygotes.

Submission:

PreventionGenetics, part of Exact Sciences
Classification: Benign for UBR4-related condition. Last evaluated: 2019-07-12. Review status: no assertion criteria provided. Collection method: clinical testing. Allele origin: germline.
Comment: This variant is classified as benign based on ACMG/AMP sequence variant interpretation guidelines (Richards et al. 2015 PMID: 25741868, with internal and published modifications).

NM_020765.3(UBR4):c.10648A>G (p.Ile3550Val)

Gene: UBR4 (ubiquitin protein ligase E3 component n-recognin 4; minus strand). Cytogenetic location: 1p36.13.
Variant type: single nucleotide variant.
Coding change: c.10648A>G on transcript NM_020765.3 (MANE Select); coding-DNA position 10648, A replaced by G.
Protein change: p.Ile3550Val; replaces isoleucine 3550 with valine.
Molecular consequence: missense variant.
Genome position (GRCh38, 1-based): chr1:19,117,396, T>C on the plus strand (A>G on the coding strand, the complement: UBR4 is on the minus strand). VCF-style: chr1-19117396-T-C. GRCh37 (hg19) VCF-style: chr1-19443890-T-C.
Other names: short protein forms I3550V.
Identifiers: ClinVar variation 3049757 (VCV003049757.2), dbSNP rs148571488, ClinGen allele CA649132.